The following is an entry in ClinVar:

ClinVar aggregate classification (germline): Uncertain significance. Review status: criteria provided, multiple submitters, no conflicts (2 of 4 stars). 4 submissions from 4 submitters: Uncertain significance (4). Last evaluated 2026-02-16.

Conditions:
MYH14-related disorder. Also called: MYH14-related condition.
Hearing impairment. Also called: Impaired Hearing. Identifiers: MedGen C1384666, MONDO:0005365, HP:0000365.

Allele frequency attached by ClinVar (database versions not stated): TOPMed 0.00002.
gnomAD v4.1: 15 of 1,550,982 alleles (0.00097%); highest among the groups gnomAD compares: Middle Eastern, 0.017%; no homozygotes.

Submissions (4):

Women's Health and Genetics/Laboratory Corporation of America, LabCorp
Classification: Uncertain significance. Last evaluated: 2026-02-16. Review status: criteria provided, single submitter. Criteria: LabCorp Variant Classification Summary - May 2015. Collection method: clinical testing. Allele origin: germline.
Comment: Variant summary: MYH14 c.5584C>T (p.Arg1862Cys) results in a non-conservative amino acid change in the encoded protein sequence. Algorithms developed to predict the effect of missense changes on protein structure and function all suggest that this variant is likely to be disruptive. The variant allele was found at a frequency of 9.1e-06 in 1544132 control chromosomes (gnomAD). The occurrence in several carriers suggests that this variant is likely not associated with a high penetrance, severe, early onset disease phenotype in heterozygous state. To our knowledge, no occurrence of c.5584C>T in individuals affected with MYH14-related conditions and no experimental evidence demonstrating its impact on protein function have been reported. ClinVar contains an entry for this variant (Variation ID: 444481). Based on the evidence outlined above, the variant was classified as VUS-possibly benign.

PreventionGenetics, part of Exact Sciences
Classification: Uncertain significance for MYH14-related condition. Last evaluated: 2025-11-24. Review status: criteria provided, single submitter. Criteria: ACMG Guidelines, 2015. Collection method: clinical testing. Allele origin: germline.
Comment: The MYH14 c.5707C>T variant is predicted to result in the amino acid substitution p.Arg1903Cys. To our knowledge, this variant has not been reported in the literature or large population database gnomAD, indicating that this variant is rare. At this time, the clinical significance of this variant is uncertain due to the absence of conclusive functional and genetic evidence.

Department of Otolaryngology – Head & Neck Surgery, Cochlear Implant Center
Classification: Uncertain significance for Hearing impairment. Last evaluated: 2021-04-12. Review status: criteria provided, single submitter. Criteria: ClinGen HL ACMG Specifications v1. Collection method: clinical testing. Allele origin: germline. Affected: yes.
Comment: PM2_Moderate, PP3_Supporting

CeGaT Center for Human Genetics Tuebingen
Classification: Uncertain significance. Last evaluated: 2017-06-30. Review status: criteria provided, single submitter. Criteria: Praxis fuer Humangenetik Tuebingen - Variant Classification Criteria. Collection method: clinical testing. Allele origin: germline. Affected: yes. Observed: 1 variant allele.

NM_001145809.2(MYH14):c.5707C>T (p.Arg1903Cys)

Gene: MYH14 (myosin heavy chain 14; plus strand). Cytogenetic location: 19q13.33.
Variant type: single nucleotide variant.
Coding change: c.5707C>T on transcript NM_001145809.2 (MANE Select); coding-DNA position 5707, C replaced by T.
Protein change: p.Arg1903Cys; replaces arginine 1903 with cysteine.
Molecular consequence: missense variant.
Genome position (GRCh38, 1-based): chr19:50,307,077, C>T. VCF-style: chr19-50307077-C-T. GRCh37 (hg19) VCF-style: chr19-50810334-C-T.
Other names: c.5608C>T, p.Arg1870Cys (NM_001077186.2); c.5584C>T, p.Arg1862Cys (NM_024729.4); short protein forms R1903C, R1862C, R1870C.
Identifiers: ClinVar variation 444481 (VCV000444481.8), dbSNP rs372637743, ClinGen allele CA309596891.